The following is an entry in ClinVar:

ClinVar aggregate classification (germline): Uncertain significance (1 of 4 stars; one submission).

Submission:

Labcorp Genetics (formerly Invitae), Labcorp
Classification: Uncertain significance. Last evaluated: 2022-04-07. Review status: criteria provided, single submitter. Criteria: Invitae Variant Classification Sherloc (09022015). Collection method: clinical testing. Allele origin: germline.
Comment: This sequence change falls in intron 15 of the RARS2 gene. It does not directly change the encoded amino acid sequence of the RARS2 protein. This variant is not present in population databases (gnomAD no frequency). In summary, the available evidence is currently insufficient to determine the role of this variant in disease. Therefore, it has been classified as a Variant of Uncertain Significance. Algorithms developed to predict the effect of sequence changes on RNA splicing suggest that this variant may disrupt the consensus splice site. This variant has not been reported in the literature in individuals affected with RARS2-related conditions.

NM_020320.5(RARS2):c.1306-11T>A

Gene: RARS2 (arginyl-tRNA synthetase 2, mitochondrial; minus strand). Cytogenetic location: 6q15.
Variant type: single nucleotide variant.
Coding change: c.1306-11T>A on transcript NM_020320.5 (MANE Select); 11 bases into the intron before coding-DNA position 1306, T replaced by A.
Molecular consequence: intron variant.
Genome position (GRCh38, 1-based): chr6:87,518,750, A>T on the plus strand (T>A on the coding strand, the complement: RARS2 is on the minus strand). VCF-style: chr6-87518750-A-T. GRCh37 (hg19) VCF-style: chr6-88228468-A-T.
Other names: c.1306-11T>A (NM_001350505.2); c.781-11T>A (NM_001350509.2, NM_001318785.2, NM_001350506.2 and 4 more transcripts).
Identifiers: ClinVar variation 2122517 (VCV002122517.4), dbSNP rs751019907, ClinGen allele CA2580075959.